The following is an entry in ClinVar:

ClinVar aggregate classification (germline): Uncertain significance (1 of 4 stars; one submission).

Conditions:
Pancreatic adenocarcinoma. Identifiers: MedGen C0281361, MONDO:0006047, HP:0006725.

Allele frequency attached by ClinVar (database versions not stated): gnomAD exomes below 0.00001.

Submission:

Labcorp Genetics (formerly Invitae), Labcorp
Classification: Uncertain significance for Pancreatic adenocarcinoma. Last evaluated: 2023-09-22. Review status: criteria provided, single submitter. Criteria: Invitae Variant Classification Sherloc (09022015). Collection method: clinical testing. Allele origin: germline.
Comment: In summary, the available evidence is currently insufficient to determine the role of this variant in disease. Therefore, it has been classified as a Variant of Uncertain Significance. An algorithm developed to predict the effect of missense changes on protein structure and function (PolyPhen-2) suggests that this variant is likely to be disruptive. This variant has not been reported in the literature in individuals affected with PALLD-related conditions. This variant is present in population databases (no rsID available, gnomAD 0.003%). This sequence change replaces proline, which is neutral and non-polar, with glutamine, which is neutral and polar, at codon 103 of the PALLD protein (p.Pro103Gln).

NM_001166108.2(PALLD):c.1965-12723C>A

Gene: PALLD (palladin, cytoskeletal associated protein; plus strand). Cytogenetic location: 4q32.3.
Variant type: single nucleotide variant.
Coding change: c.1965-12723C>A on transcript NM_001166108.2 (MANE Select); 12723 bases into the intron before coding-DNA position 1965, C replaced by A.
Molecular consequence: intron variant. On other transcripts: missense variant (1).
Genome position (GRCh38, 1-based): chr4:168,878,199, C>A. VCF-style: chr4-168878199-C-A. GRCh37 (hg19) VCF-style: chr4-169799350-C-A.
Other names: c.308C>A, p.Pro103Gln (NM_001166110.2); c.1965-12723C>A (NM_016081.4); c.819-12723C>A (NM_001166109.2); c.-157-12723C>A (NM_001367570.1, NM_001367568.1, NM_001367567.1 and 1 more transcripts); short protein forms P103Q.
Identifiers: ClinVar variation 2762622 (VCV002762622.3), dbSNP rs748894104, ClinGen allele CA358796192.